The following is an entry in ClinVar:

NM_138370.3(PKDCC):c.779G>C (p.Gly260Ala)

Gene: PKDCC (protein kinase domain containing, cytoplasmic; plus strand). Cytogenetic location: 2p21.
Variant type: single nucleotide variant.
Coding change: c.779G>C on transcript NM_138370.3 (MANE Select); coding-DNA position 779, G replaced by C.
Protein change: p.Gly260Ala; replaces glycine 260 with alanine.
Molecular consequence: missense variant.
Genome position (GRCh38, 1-based): chr2:42,054,052, G>C. VCF-style: chr2-42054052-G-C. GRCh37 (hg19) VCF-style: chr2-42281192-G-C.
Other names: c.779G>C (NM_138370.2); short protein forms G260A.
Identifiers: ClinVar variation 1925027 (VCV001925027.6), dbSNP rs747195223, ClinGen allele CA346623890.

ClinVar aggregate classification (germline): Uncertain significance. Review status: criteria provided, multiple submitters, no conflicts (2 of 4 stars). 2 submissions from 2 submitters: Uncertain significance (2). Last evaluated 2025-08-26.

Conditions:
Inborn genetic diseases. Identifiers: MedGen C0950123, MeSH D030342.

Submissions (2):

Ambry Genetics
Classification: Uncertain significance for Inborn genetic diseases. Last evaluated: 2025-08-26. Review status: criteria provided, single submitter. Criteria: Ambry Variant Classification Scheme 2023. Collection method: clinical testing. Allele origin: germline.

Labcorp Genetics (formerly Invitae), Labcorp
Classification: Uncertain significance. Last evaluated: 2022-02-09. Review status: criteria provided, single submitter. Criteria: Invitae Variant Classification Sherloc (09022015). Collection method: clinical testing. Allele origin: germline.
Comment: This sequence change replaces glycine, which is neutral and non-polar, with alanine, which is neutral and non-polar, at codon 260 of the PKDCC protein (p.Gly260Ala). This variant is not present in population databases (gnomAD no frequency). This variant has not been reported in the literature in individuals affected with PKDCC-related conditions. Algorithms developed to predict the effect of missense changes on protein structure and function (SIFT, PolyPhen-2, Align-GVGD) all suggest that this variant is likely to be tolerated. In summary, the available evidence is currently insufficient to determine the role of this variant in disease. Therefore, it has been classified as a Variant of Uncertain Significance.